The following is an entry in ClinVar:

ClinVar aggregate classification (germline): Uncertain significance. Review status: criteria provided, multiple submitters, no conflicts (2 of 4 stars). 2 submissions from 2 submitters: Uncertain significance (2). Last evaluated 2024-01-17.

Conditions:
Inborn genetic diseases. Identifiers: MedGen C0950123, MeSH D030342.
Duane retraction syndrome 2. Identifiers: Orphanet 233, MedGen C0751083, MONDO:0011444, OMIM 604356.

Allele frequency attached by ClinVar (database versions not stated): gnomAD exomes below 0.00001; TOPMed below 0.00001; gnomAD 0.00001.
gnomAD v4.1: 2 of 1,579,390 alleles (0.00013%); highest among the groups gnomAD compares: Admixed American, 0.0036%; no homozygotes.

Submissions (2):

Ambry Genetics
Classification: Uncertain significance for Inborn genetic diseases. Last evaluated: 2024-01-17. Review status: criteria provided, single submitter. Criteria: Ambry Variant Classification Scheme 2023. Collection method: clinical testing. Allele origin: germline.

Broad Center for Mendelian Genomics, Broad Institute of MIT and Harvard
Classification: Uncertain significance for Duane retraction syndrome 2. Last evaluated: 2020-11-16. Review status: criteria provided, single submitter. Criteria: ACMG Guidelines, 2015. Collection method: curation. Allele origin: germline. Inheritance: Autosomal dominant inheritance.
Comment: The p.Ala27Gly variant in CHN1 has not been previously reported in the literature in individuals with Duane retraction syndrome. This variant was absent from large population studies. Computational prediction tools, including splice predictors, and conservation analyses suggest that this variant may not impact the protein, though this information is not predictive enough to rule out pathogenicity. In summary, the clinical significance of the variant is uncertain. ACMG/AMP Criteria applied: PM2_supporting, PM6_supporting, BP4 (Richards 2015).

NM_001822.7(CHN1):c.80C>G (p.Ala27Gly)

Gene: CHN1 (chimerin 1; minus strand). Cytogenetic location: 2q31.1.
Variant type: single nucleotide variant.
Coding change: c.80C>G on transcript NM_001822.7 (MANE Select); coding-DNA position 80, C replaced by G.
Protein change: p.Ala27Gly; replaces alanine 27 with glycine.
Molecular consequence: missense variant. On other transcripts: non-coding transcript variant (1), intron variant (1).
Genome position (GRCh38, 1-based): chr2:174,944,922, G>C on the plus strand (C>G on the coding strand, the complement: CHN1 is on the minus strand). VCF-style: chr2-174944922-G-C. GRCh37 (hg19) VCF-style: chr2-175809650-G-C.
Other names: c.80C>G, p.Ala27Gly (NM_001025201.4, NM_001371513.1); c.58+7242C>G (NM_001371514.1); c.80C>G (NM_001822.5); short protein forms A27G.
Identifiers: ClinVar variation 986383 (VCV000986383.3), dbSNP rs1689781072, ClinGen allele CA349689228.
Genomic context (GRCh38, chr2:174,944,922, plus strand): 5'-TTTGGTAGCAGTTTCATTACACCCACCTCGCAAGTACAGGTAATTCTTCGAGGATGAGGG[G>C]CTTCCTGTTGTAGCTGATATACTGTGAGAAGGTAGAAACAAAAAGTGTCAATGTCCCTTA-3'
Protein context (NP_001813.1, residues 17-37): KSYLYQLQQE[Ala27Gly]PHPRRITCTC